The following is an entry in ClinVar:

ClinVar aggregate classification (germline): Benign/Likely benign. Review status: criteria provided, multiple submitters, no conflicts (2 of 4 stars). 5 submissions from 5 submitters: Benign (1); Likely benign (4). Last evaluated 2025-12-28.

Conditions:
Dilated cardiomyopathy 1W (CMD1W). Identifiers: Orphanet 154, MedGen C1969639, MONDO:0012667, OMIM 611407.
Cardiovascular phenotype. Identifiers: MedGen CN230736.

Allele frequency attached by ClinVar (database versions not stated): gnomAD 0.00004 and 0.00005; gnomAD exomes 0.00005 and 0.00009; TOPMed 0.00006; ExAC 0.00007; ESP Exome Variant Server 0.00015.
gnomAD v4.1: 83 of 1,614,084 alleles (0.0051%); highest among the groups gnomAD compares: Non-Finnish European, 0.001%; no homozygotes.

Submissions (5):

Labcorp Genetics (formerly Invitae), Labcorp
Classification: Likely benign for Dilated cardiomyopathy 1W. Last evaluated: 2025-12-28. Review status: criteria provided, single submitter. Criteria: Invitae Variant Classification Sherloc (09022015). Collection method: clinical testing. Allele origin: germline.

Women's Health and Genetics/Laboratory Corporation of America, LabCorp
Classification: Benign. Last evaluated: 2025-04-29. Review status: criteria provided, single submitter. Criteria: LabCorp Variant Classification Summary - May 2015. Collection method: clinical testing. Allele origin: germline.
Comment: Variant summary: VCL c.1177-5T>C alters a non-conserved nucleotide located at a position not widely known to affect splicing. Consensus agreement among computation tools predict no significant impact on normal splicing. However, these predictions have yet to be confirmed by functional studies. The variant allele was found at a frequency of 9.2e-05 in 251366 control chromosomes. The observed variant frequency is approximately 3.66 fold of the estimated maximal expected allele frequency for a pathogenic variant in VCL causing Cardiomyopathy phenotype (2.5e-05). To our knowledge, no occurrence of c.1177-5T>C in individuals affected with Cardiomyopathy and no experimental evidence demonstrating its impact on protein function have been reported. ClinVar contains an entry for this variant (Variation ID: 378849). Based on the evidence outlined above, the variant was classified as benign.

Blueprint Genetics
Classification: Likely benign. Last evaluated: 2024-01-30. Review status: criteria provided, single submitter. Criteria: ACMG Guidelines, 2015. Collection method: clinical testing. Allele origin: germline.

Ambry Genetics
Classification: Likely benign for Cardiovascular phenotype. Last evaluated: 2020-02-14. Review status: criteria provided, single submitter. Criteria: Ambry Variant Classification Scheme 2023. Collection method: clinical testing. Allele origin: germline.

GeneDx
Classification: Likely benign. Last evaluated: 2019-11-01. Review status: criteria provided, single submitter. Criteria: GeneDx Variant Classification Process June 2021. Collection method: clinical testing. Allele origin: germline. Affected: yes.

Literature cited by the submitters: PubMed 25351510 (cited by Ambry Genetics).

NM_014000.3(VCL):c.1177-5T>C

Gene: VCL (vinculin; plus strand). Cytogenetic location: 10q22.2.
Variant type: single nucleotide variant.
Coding change: c.1177-5T>C on transcript NM_014000.3 (MANE Select); 5 bases into the intron before coding-DNA position 1177, T replaced by C.
Molecular consequence: intron variant.
Genome position (GRCh38, 1-based): chr10:74,090,018, T>C. VCF-style: chr10-74090018-T-C. GRCh37 (hg19) VCF-style: chr10-75849776-T-C.
Other names: c.1177-5T>C (NM_003373.4).
Identifiers: ClinVar variation 378849 (VCV000378849.19), dbSNP rs370860265, ClinGen allele CA5562949.
Genomic context (GRCh38, chr10:74,090,018, plus strand): 5'-TAAGTTTAGTAGAAAGGAGTGTGTGAGTAGATCACAGCGTGCTGCTTCTCCGTTTCTATG[T>C]GTAGAACTGGCTTGCAGATCCAAATGGTGGACCGGAAGGAGAAGAGCAGATTCGAGGTGC-3'